The following is an entry in ClinVar:

ClinVar aggregate classification (germline): Uncertain significance (1 of 4 stars; one submission).

Conditions:
Multiple mitochondrial dysfunctions syndrome 1 (MMDS1). Identifiers: Orphanet 401869, MedGen C3276432, MONDO:0011582, OMIM 605711.

Submission:

Labcorp Genetics (formerly Invitae), Labcorp
Classification: Uncertain significance for Multiple mitochondrial dysfunctions syndrome 1. Last evaluated: 2022-08-13. Review status: criteria provided, single submitter. Criteria: Invitae Variant Classification Sherloc (09022015). Collection method: clinical testing. Allele origin: germline.
Comment: This sequence change replaces serine, which is neutral and polar, with cysteine, which is neutral and slightly polar, at codon 97 of the NFU1 protein (p.Ser97Cys). This variant is not present in population databases (gnomAD no frequency). This variant has not been reported in the literature in individuals affected with NFU1-related conditions. Algorithms developed to predict the effect of missense changes on protein structure and function are either unavailable or do not agree on the potential impact of this missense change (SIFT: "Deleterious"; PolyPhen-2: "Possibly Damaging"; Align-GVGD: "Class C0"). In summary, the available evidence is currently insufficient to determine the role of this variant in disease. Therefore, it has been classified as a Variant of Uncertain Significance.

NM_001002755.4(NFU1):c.290C>G (p.Ser97Cys)

Gene: NFU1 (NFU1 iron-sulfur cluster scaffold; minus strand). Cytogenetic location: 2p13.3.
Variant type: single nucleotide variant.
Coding change: c.290C>G on transcript NM_001002755.4 (MANE Select); coding-DNA position 290, C replaced by G.
Protein change: p.Ser97Cys; replaces serine 97 with cysteine.
Molecular consequence: missense variant. On other transcripts: intron variant (1).
Genome position (GRCh38, 1-based): chr2:69,423,594, G>C on the plus strand (C>G on the coding strand, the complement: NFU1 is on the minus strand). VCF-style: chr2-69423594-G-C. GRCh37 (hg19) VCF-style: chr2-69650726-G-C.
Other names: c.218C>G, p.Ser73Cys (NM_001374284.1, NM_015700.4); c.-121-3990C>G (NM_001002756.2); short protein forms S73C, S97C.
Identifiers: ClinVar variation 1716400 (VCV001716400.5), dbSNP rs1212890278, ClinGen allele CA347129536.